The following is an entry in ClinVar:

NM_001943.5(DSG2):c.2321del (p.Asn774fs)

Genes: DSG2 (desmoglein 2; plus strand), DSG2-AS1 (DSG2 antisense RNA 1; minus strand). Cytogenetic location: 18q12.1.
Variant type: Deletion.
Coding change: c.2321del on transcript NM_001943.5 (MANE Select); coding-DNA position 2321, one base deleted (A; older notation c.2321delA).
Protein change: p.Asn774fs; shifts the reading frame from asparagine 774.
Molecular consequence: frameshift variant.
Genome position (GRCh38, 1-based): chr18:31,542,839, A deleted; the last of 3 consecutive A bases (chr18:31,542,837-31,542,839); deleting any one gives the same sequence. VCF-style (leftmost placement, unchanged base first): chr18-31542836-GA-G. GRCh37 (hg19) VCF-style: chr18-29122799-GA-G.
Other names: short protein forms N774fs.
Identifiers: ClinVar variation 2754845 (VCV002754845.3), dbSNP rs2510920888, ClinGen allele CA2697555372.
Genomic context (GRCh38, chr18:31,542,836, plus strand): 5'-CTTCCAGAGACATGGCCGGAGCTCAGGCAGCTGCTGTTGCACTGAACGAAGAATTCTTAA[GA>G]AATTATTTCACTGATGTAAGGATGAGTTTTATGTATTGGTGGTGGGGGGTGGGGGGAACA-3'

ClinVar aggregate classification (germline): Pathogenic (1 of 4 stars; one submission).

Conditions:
Arrhythmogenic right ventricular dysplasia 10. Also called: Arrhythmogenic Right Ventricular Dysplasia/Cardiomyopathy10; Arrhythmogenic right ventricular dysplasia/cardiomyopathy, type 10; ARRHYTHMOGENIC RIGHT VENTRICULAR DYSPLASIA, FAMILIAL, 10. Identifiers: MedGen C1857777, MONDO:0012434, OMIM 610193.

Submission:

Labcorp Genetics (formerly Invitae), Labcorp
Classification: Pathogenic for Arrhythmogenic right ventricular dysplasia 10. Last evaluated: 2023-08-24. Review status: criteria provided, single submitter. Criteria: Invitae Variant Classification Sherloc (09022015). Collection method: clinical testing. Allele origin: germline.
Comment: For these reasons, this variant has been classified as Pathogenic. This variant disrupts a region of the DSG2 protein in which other variant(s) (p.Glu1020Alafs*18) have been determined to be pathogenic (PMID: 20864495, 21397041, 23381804; Invitae). This suggests that this is a clinically significant region of the protein, and that variants that disrupt it are likely to be disease-causing. This variant has not been reported in the literature in individuals affected with DSG2-related conditions. This variant is not present in population databases (gnomAD no frequency). This sequence change creates a premature translational stop signal (p.Asn774Ilefs*34) in the DSG2 gene. While this is not anticipated to result in nonsense mediated decay, it is expected to disrupt the last 345 amino acid(s) of the DSG2 protein.

Literature cited by the submitters: PubMed 20864495; PubMed 21397041; PubMed 23381804.